The following is an entry in ClinVar:

ClinVar aggregate classification (germline): Benign/Likely benign. Review status: criteria provided, multiple submitters, no conflicts (2 of 4 stars). 2 submissions from 2 submitters: Benign (1); Likely benign (1). Last evaluated 2019-05-28.

Conditions:
Autosomal recessive nonsyndromic hearing loss 1A (DFNB1A). Also called: GJB2-Related Autosomal Recessive Nonsyndromic Hearing Loss; GJB6-Related DFNB 1 Nonsyndromic Hearing Loss and Deafness; Deafness, autosomal recessive 1A; Connexin 26 deafness; Deafness nonsyndromic, Connexin 26 linked; Nonsyndromic Hearing Loss and Deafness, DFNB1. Identifiers: Orphanet 90636, MedGen C2673759, MONDO:0009076, OMIM 220290.

Allele frequency attached by ClinVar (database versions not stated): gnomAD exomes below 0.00001 and 0.00002; TOPMed below 0.00001.
gnomAD v4.1: 30 of 1,614,106 alleles (0.0019%); highest among the groups gnomAD compares: Non-Finnish European, 0.0025%; no homozygotes.

Submissions (2):

Mendelics
Classification: Benign for Autosomal recessive nonsyndromic hearing loss 1A. Last evaluated: 2019-05-28. Review status: criteria provided, single submitter. Criteria: Mendelics Assertion Criteria 2017. Collection method: clinical testing. Allele origin: unknown.

Laboratory for Molecular Medicine, Mass General Brigham Personalized Medicine
Classification: Likely benign. Last evaluated: 2011-01-18. Review status: criteria provided, single submitter. Criteria: LMM Criteria. Collection method: clinical testing. Allele origin: germline. Observed: 1 variant allele.
Comment: Ser138Gly in exon 2 of GJB2: This variant has been reported in the literature af ter identification in one patient with hearing loss; however, a variant on the s econd allele was not found (Picciotti 2009). Computational analyses (PolyPhen, S IFT, AlignGVGD) do not suggest a high likelihood of clinical significance primar ily based upon a lack of evolutionary conservation. Of note, cow and sheep have a glycine at this position despite high nearby amino acid conservation. In summa ry this data suggests that this variant is likely benign.

Literature cited by the submitters: PubMed 18668259 (cited by Laboratory for Molecular Medicine, Mass General Brigham Personalized Medicine).

NM_004004.6(GJB2):c.412A>G (p.Ser138Gly)

Gene: GJB2 (gap junction protein beta 2; minus strand). Cytogenetic location: 13q12.11.
Variant type: single nucleotide variant.
Coding change: c.412A>G on transcript NM_004004.6 (MANE Select); coding-DNA position 412, A replaced by G.
Protein change: p.Ser138Gly; replaces serine 138 with glycine.
Molecular consequence: missense variant.
Genome position (GRCh38, 1-based): chr13:20,189,170, T>C on the plus strand (A>G on the coding strand, the complement: GJB2 is on the minus strand). VCF-style: chr13-20189170-T-C. GRCh37 (hg19) VCF-style: chr13-20763309-T-C.
Other names: short protein forms S138G.
Identifiers: ClinVar variation 44748 (VCV000044748.5), dbSNP rs397516876, ClinGen allele CA134971.
Genomic context (GRCh38, chr13:20,189,170, plus strand): 5'-ACATGACATAGAAGACGTACATGAAGGCGGCTTCGAAGATGACCCGGAAGAAGATGCTGC[T>C]TGTGTAGGTCCACCACAGGGAGCCTTCGATGCGGACCTTCTGGGTTTTGATCTCCTCGAT-3'
Protein context (NP_003995.2, residues 128-148): IEGSLWWTYT[Ser138Gly]SIFFRVIFEA